The following is an entry in ClinVar:

NM_000158.4(GBE1):c.268G>T (p.Glu90Ter)

Gene: GBE1 (1,4-alpha-glucan branching enzyme 1; minus strand). Cytogenetic location: 3p12.2.
Variant type: single nucleotide variant.
Coding change: c.268G>T on transcript NM_000158.4 (MANE Select); coding-DNA position 268, G replaced by T.
Protein change: p.Glu90Ter; replaces glutamic acid 90 with a stop codon.
Molecular consequence: nonsense.
Genome position (GRCh38, 1-based): chr3:81,705,489, C>A on the plus strand (G>T on the coding strand, the complement: GBE1 is on the minus strand). VCF-style: chr3-81705489-C-A. GRCh37 (hg19) VCF-style: chr3-81754640-C-A.
Other names: short protein forms E90*.
Identifiers: ClinVar variation 5013072 (VCV005013072.1).

ClinVar aggregate classification (germline): Pathogenic (1 of 4 stars; one submission).

Conditions:
Glycogen storage disease, type IV (GSD4). Also called: AMYLOPECTINOSIS; ANDERSEN DISEASE; BRANCHER DEFICIENCY; CIRRHOSIS, FAMILIAL, WITH DEPOSITION OF ABNORMAL GLYCOGEN; GBE1 DEFICIENCY; GLYCOGEN BRANCHING ENZYME DEFICIENCY. Identifiers: Orphanet 367, MedGen C0017923, MONDO:0009292, OMIM 232500.

Submission:

Myriad Genetics, Inc.
Classification: Pathogenic for Glycogen storage disease, type IV. Last evaluated: 2024-05-20. Review status: criteria provided, single submitter. Criteria: Myriad Autosomal Dominant, Autosomal Recessive and X-Linked Classification Criteria (2023). Collection method: clinical testing. Allele origin: unknown.
Comment: NM_000158.3(GBE1):c.268G>T(E90*) is expected to be pathogenic in the context of glycogen storage disease, GBE1-related. This variant is predicted to lead to an abnormal or absent protein product due to the creation of a premature termination codon in GBE1, a gene where loss-of-function variants are known to be pathogenic. Please note: this variant was assessed in the context of healthy population screening.